The following is an entry in ClinVar:

ClinVar aggregate classification (germline): Pathogenic (1 of 4 stars; one submission).

Conditions:
USH2A-related disorder. Also called: USH2A-related condition; USH2A-related disorders. Identifiers: MedGen CN239332.

Submission:

Myriad Genetics, Inc.
Classification: Pathogenic for USH2A-related disorder. Last evaluated: 2025-02-05. Review status: criteria provided, single submitter. Criteria: Myriad Autosomal Dominant, Autosomal Recessive and X-Linked Classification Criteria (2023). Collection method: clinical testing. Allele origin: unknown.
Comment: NM_206933.2(USH2A):c.5089G>T(E1697*) is expected to be pathogenic in the context of USH2A-related disorders. This variant is predicted to lead to an abnormal or absent protein product due to the creation of a premature termination codon in USH2A, a gene where loss-of-function variants are known to be pathogenic. Please note: this variant was assessed in the context of healthy population screening.

NM_206933.4(USH2A):c.5089G>T (p.Glu1697Ter)

Genes: USH2A (usherin; minus strand), USH2A-AS2 (USH2A antisense RNA 2; plus strand). Cytogenetic location: 1q41.
Variant type: single nucleotide variant.
Coding change: c.5089G>T on transcript NM_206933.4 (MANE Select); coding-DNA position 5089, G replaced by T.
Protein change: p.Glu1697Ter; replaces glutamic acid 1697 with a stop codon.
Molecular consequence: nonsense.
Genome position (GRCh38, 1-based): chr1:216,084,776, C>A on the plus strand (G>T on the coding strand, the complement: USH2A is on the minus strand). VCF-style: chr1-216084776-C-A. GRCh37 (hg19) VCF-style: chr1-216258118-C-A.
Other names: short protein forms E1697*.
Identifiers: ClinVar variation 5014056 (VCV005014056.1).
Genomic context (GRCh38, chr1:216,084,776, plus strand): 5'-CTCCCTCATTTAATGAAGCGGGACATCCCTCCCAGCTGTTATACACGTTGATTTGTTCTT[C>A]AGAACTCTGCCAATCCAGAGGTTCCCAAATAGCTGACGGATTGTAATTCTTCATAAAATG-3'